The following is an entry in ClinVar:

ClinVar aggregate classification (germline): Uncertain significance (1 of 4 stars; one submission).

Conditions:
Neurodevelopmental disorder with regression, abnormal movements, loss of speech, and seizures. Identifiers: Orphanet 597623, MedGen C4748127, MONDO:0060759, OMIM 618088.

Submission:

Laboratorio de Genetica e Diagnostico Molecular, Hospital Israelita Albert Einstein
Classification: Uncertain significance for Neurodevelopmental disorder with regression, abnormal movements, loss of speech, and seizures. Last evaluated: 2022-03-08. Review status: criteria provided, single submitter. Criteria: ACMG Guidelines, 2015. Collection method: clinical testing. Allele origin: germline. Affected: yes. Observed: 1 variant allele.
Comment: ACMG classification criteria: PM2, BP4 supporting

NM_024496.4(IRF2BPL):c.1673T>C (p.Leu558Pro)

Gene: IRF2BPL (interferon regulatory factor 2 binding protein like; minus strand). Cytogenetic location: 14q24.3.
Variant type: single nucleotide variant.
Coding change: c.1673T>C on transcript NM_024496.4 (MANE Select); coding-DNA position 1673, T replaced by C.
Protein change: p.Leu558Pro; replaces leucine 558 with proline.
Molecular consequence: missense variant.
Genome position (GRCh38, 1-based): chr14:77,026,120, A>G on the plus strand (T>C on the coding strand, the complement: IRF2BPL is on the minus strand). VCF-style: chr14-77026120-A-G. GRCh37 (hg19) VCF-style: chr14-77492463-A-G.
Other names: short protein forms L558P.
Identifiers: ClinVar variation 2431952 (VCV002431952.1), dbSNP rs2503075244, ClinGen allele CA390492607.